The following is an entry in ClinVar:

ClinVar aggregate classification (germline): Likely benign. Review status: criteria provided, multiple submitters, no conflicts (2 of 4 stars). 3 submissions from 3 submitters: Likely benign (3). Last evaluated 2025-06-16.

Conditions:
Pigmentary pallidal degeneration (NBIA1). Also called: PKAN NEUROAXONAL DYSTROPHY, JUVENILE-ONSET; Pantothenate Kinase-Associated Neurodegeneration; Neuroaxonal dystrophy, late infantile; Hallervorden-Spatz disease; HARP SYNDROME; Neurodegeneration with brain iron accumulation 1. Identifiers: Orphanet 157850, MedGen C0018523, MONDO:0009319, OMIM 234200.

Allele frequency attached by ClinVar (database versions not stated): TOPMed 0.00001; gnomAD 0.00001; gnomAD exomes 0.00004.
gnomAD v4.1: 57 of 1,582,014 alleles (0.0036%); highest among the groups gnomAD compares: Non-Finnish European, 0.0045%; no homozygotes.

Submissions (3):

Mayo Clinic Laboratories, Mayo Clinic
Classification: Likely benign. Last evaluated: 2025-06-16. Review status: criteria provided, single submitter. Criteria: ACMG Guidelines, 2015. Collection method: clinical testing. Allele origin: germline. Observed: 2 variant alleles.
Comment: BP4, BP7

Labcorp Genetics (formerly Invitae), Labcorp
Classification: Likely benign for Pigmentary pallidal degeneration. Last evaluated: 2025-03-17. Review status: criteria provided, single submitter. Criteria: Invitae Variant Classification Sherloc (09022015). Collection method: clinical testing. Allele origin: germline.

Blueprint Genetics
Classification: Likely benign. Last evaluated: 2022-06-27. Review status: criteria provided, single submitter. Criteria: ACMG Guidelines, 2015. Collection method: clinical testing. Allele origin: germline.

NM_153638.4(PANK2):c.48G>A (p.Pro16=)

Genes: PANK2-AS1 (PANK2 antisense RNA 1; minus strand), PANK2 (pantothenate kinase 2; plus strand). Cytogenetic location: 20p13.
Variant type: single nucleotide variant.
Coding change: c.48G>A on transcript NM_153638.4; coding-DNA position 48, G replaced by A.
Protein change: p.Pro16=; no amino-acid change (proline 16 retained).
Molecular consequence: synonymous variant. On other transcripts: intron variant (1).
Genome position (GRCh38, 1-based): chr20:3,889,148, G>A. VCF-style: chr20-3889148-G-A. GRCh37 (hg19) VCF-style: chr20-3869795-G-A.
Other names: p.Pro16=; c.48G>A, p.Pro16= (NM_001324192.1); c.-246+244G>A (NM_024960.6).
Identifiers: ClinVar variation 1528946 (VCV001528946.9), dbSNP rs982359150, ClinGen allele CA311088465.
Genomic context (GRCh38, chr20:3,889,148, plus strand): 5'-AAGGAGGGGGTGGATGAGGAGGCTCGGGCCCTTCCACCCACGCGTCCATTGGGCGGCGCC[G>A]CCATCACTCTCTTCTGGGCTACACCGCCTTCTCTTCCTCCGCGGAACCCGGATCCCCTCC-3'